The following is an entry in ClinVar:

NM_001267550.2(TTN):c.62803_62806dup (p.Phe20936fs)

Genes: TTN (titin; minus strand), TTN-AS1 (TTN antisense RNA 1; plus strand). Cytogenetic location: 2q31.2.
Variant type: Duplication.
Coding change: c.62803_62806dup on transcript NM_001267550.2 (MANE Select); coding-DNA positions 62803 to 62806, 4 bases duplicated (ATTT; older notation c.62803_62806dupATTT).
Protein change: p.Phe20936fs; shifts the reading frame from phenylalanine 20936.
Molecular consequence: frameshift variant.
Genome position (GRCh38, 1-based): chr2:178,588,919-178,588,922, AAAT duplicated on the plus strand (ATTT on the coding strand, the reverse complement: TTN is on the minus strand); duplicating any 4 consecutive bases within chr2:178,588,919-178,588,923 gives the same sequence; the c. name uses the placement nearest the transcript's 3' end. VCF-style (leftmost placement, unchanged base first): chr2-178588918-A-AAAAT. GRCh37 (hg19) VCF-style: chr2-179453645-A-AAAAT.
Other names: c.57880_57883dup, p.Phe19295fs (NM_001256850.1); c.35608_35611dup, p.Phe11871fs (NM_003319.4); c.55099_55102dup, p.Phe18368fs (NM_133378.4); c.35983_35986dup, p.Phe11996fs (NM_133432.3); c.36184_36187dup, p.Phe12063fs (NM_133437.4); c.35608_35611dupATTT (NM_003319.4); short protein forms F11871fs, F20936fs, F11996fs, F18368fs, F19295fs, F12063fs.
Identifiers: ClinVar variation 4824728 (VCV004824728.1).

ClinVar aggregate classification (germline): Likely pathogenic (1 of 4 stars; one submission).

Conditions:
Cardiovascular phenotype. Identifiers: MedGen CN230736.

Submission:

Ambry Genetics
Classification: Likely pathogenic for Cardiovascular phenotype. Last evaluated: 2026-01-28. Review status: criteria provided, single submitter. Criteria: Ambry Variant Classification Scheme 2023. Collection method: clinical testing. Allele origin: germline.
Comment: The c.35608_35611dupATTT variant, located in coding exon 131 of the TTN gene, results from a duplication of ATTT at nucleotide position 35608, causing a translational frameshift with a predicted alternate stop codon (p.F11871Yfs*9). This exon is located in the A-band region of the N2-B isoform of the titin protein and is constitutively expressed in TTN transcripts (percent spliced in or PSI 100%). This variant is considered to be rare based on population cohorts in the Genome Aggregation Database (gnomAD). This variant is expected to result in loss of function by premature protein truncation or nonsense-mediated mRNA decay. While truncating variants in TTN are present in 1-3% of the general population, truncating variants in the A-band are the most common cause of dilated cardiomyopathy (Herman DS et al. N. Engl. J. Med., 2012 Feb;366:619-28; Roberts AM et al. Sci Transl Med, 2015 Jan;7:270ra6). TTN truncating variants encoded in constitutive exons (PSI >90%) have been found to be significantly associated with DCM regardless of their position in titin (Schafer S et al. Nat. Genet., 2017 01;49:46-53; Akhtar MM et al. Circ Heart Fail, 2020 Oct;13:e006832; Massier M et al. Clin Genet, 2025 Jan). Based on the majority of available evidence to date, this variant is likely to be pathogenic.